The following is an entry in ClinVar:

NM_004655.4(AXIN2):c.324A>G (p.Leu108=)

Gene: AXIN2 (axin 2; minus strand). Cytogenetic location: 17q24.1.
Variant type: single nucleotide variant.
Coding change: c.324A>G on transcript NM_004655.4 (MANE Select); coding-DNA position 324, A replaced by G.
Protein change: p.Leu108=; no amino-acid change (leucine 108 retained).
Molecular consequence: synonymous variant.
Genome position (GRCh38, 1-based): chr17:65,558,297, T>C on the plus strand (A>G on the coding strand, the complement: AXIN2 is on the minus strand). VCF-style: chr17-65558297-T-C. GRCh37 (hg19) VCF-style: chr17-63554415-T-C.
Other names: c.324A>G (LRG_296t1); c.324A>G, p.Leu108= (NM_001363813.1).
Identifiers: ClinVar variation 415201 (VCV000415201.17), dbSNP rs1060504479, ClinGen allele CA16615627.

ClinVar aggregate classification (germline): Benign/Likely benign. Review status: criteria provided, multiple submitters, no conflicts (2 of 4 stars). 3 submissions from 3 submitters: Benign (1); Likely benign (2). Last evaluated 2024-08-11.

Conditions:
Hereditary cancer-predisposing syndrome. Also called: Tumor predisposition; Neoplastic Syndromes, Hereditary; Hereditary neoplastic syndrome; Hereditary Cancer Syndrome. Identifiers: Orphanet 140162, MedGen C0027672, MeSH D009386, MONDO:0015356.
Oligodontia-cancer predisposition syndrome. Also called: TOOTH AGENESIS-COLORECTAL CANCER SYNDROME. Identifiers: Orphanet 300576, MedGen C1837750, MONDO:0012075, OMIM 608615. Disease mechanism: loss of function.

Allele frequency attached by ClinVar (database versions not stated): gnomAD exomes below 0.00001.
gnomAD v4.1: 4 of 1,614,180 alleles (0.00025%); highest among the groups gnomAD compares: Middle Eastern, 0.016%; no homozygotes.

Submissions (3):

Labcorp Genetics (formerly Invitae), Labcorp
Classification: Likely benign for Oligodontia-cancer predisposition syndrome. Last evaluated: 2024-08-11. Review status: criteria provided, single submitter. Criteria: Invitae Variant Classification Sherloc (09022015). Collection method: clinical testing. Allele origin: germline.

Myriad Genetics, Inc.
Classification: Benign for Oligodontia-cancer predisposition syndrome. Last evaluated: 2024-06-26. Review status: criteria provided, single submitter. Criteria: Myriad Autosomal Dominant, Autosomal Recessive and X-Linked Classification Criteria (2023). Collection method: clinical testing. Allele origin: unknown.
Comment: This variant is considered benign. This variant is a silent/synonymous amino acid change and it is not expected to impact splicing.

Ambry Genetics
Classification: Likely benign for Hereditary cancer-predisposing syndrome. Last evaluated: 2019-06-11. Review status: criteria provided, single submitter. Criteria: Ambry Variant Classification Scheme 2023. Collection method: clinical testing. Allele origin: germline.